The following is an entry in ClinVar:

ClinVar aggregate classification (germline): Pathogenic (1 of 4 stars; one submission).

Conditions:
Catecholaminergic polymorphic ventricular tachycardia 3. Identifiers: Orphanet 3286, MedGen C3151463, MONDO:0013529, OMIM 614021.

Submission:

Victorian Clinical Genetics Services, Murdoch Childrens Research Institute
Classification: Pathogenic for Catecholaminergic polymorphic ventricular tachycardia 3. Last evaluated: 2024-09-20. Review status: criteria provided, single submitter. Criteria: ACMG Guidelines, 2015. Collection method: clinical testing. Allele origin: germline. Inheritance: Autosomal recessive inheritance. Affected: yes.
Comment: Based on the classification scheme VCGS_Germline_v1.3.4, this variant is classified as Pathogenic. Following criteria are met: 0102 - Loss of function is a known mechanism of disease in this gene and is associated with catecholaminergic polymorphic ventricular tachycardia 3 (MIM#614021). (I) 0106 - This gene is associated with autosomal recessive disease. (I) 0115 - Variants in this gene are known to have variable expressivity. This gene has been described to be associated with overlapping clinical features of both long QT syndrome and CPVT (PMID: 27861123). (I) 0201 - Variant is predicted to cause nonsense-mediated decay (NMD) and loss of protein (premature termination codon is located at least 54 nucleotides upstream of the final exon-exon junction). (SP) 0251 - This variant is heterozygous. (I) 0304 - Variant is present in gnomAD (v3) <0.01 for a recessive condition (1 heterozygote, 0 homozygotes). (SP) 0701 - Other NMD predicted variants comparable to the one identified in this case have very strong previous evidence for pathogenicity (DECIPHER, PMID: 32173957). (SP) 0807 - This variant has no previous evidence of pathogenicity. (I) 0905 - No published segregation evidence has been identified for this variant. (I) 1007 - No published functional evidence has been identified for this variant. (I) 1208 - Inheritance information for this variant is not currently available in this individual. (I) Legend: (SP) - Supporting pathogenic, (I) - Information, (SB) - Supporting benign

Literature cited by the submitters: PubMed 27861123; PubMed 32173957.

NM_001010874.5(TECRL):c.395_408dup (p.Leu137fs)

Gene: TECRL (trans-2,3-enoyl-CoA reductase like; minus strand). Cytogenetic location: 4q13.1.
Variant type: Duplication.
Coding change: c.395_408dup on transcript NM_001010874.5 (MANE Select); coding-DNA positions 395 to 408, 14 bases duplicated (TGTATGCTACAGAC).
Protein change: p.Leu137fs; shifts the reading frame from leucine 137.
Molecular consequence: frameshift variant.
Genome position (GRCh38, 1-based): chr4:64,322,716-64,322,729, GTCTGTAGCATACA duplicated on the plus strand (TGTATGCTACAGAC on the coding strand, the reverse complement: TECRL is on the minus strand); duplicating any 14 consecutive bases within chr4:64,322,716-64,322,731 gives the same sequence; the c. name uses the placement nearest the transcript's 3' end. VCF-style (leftmost placement, unchanged base first): chr4-64322715-G-GGTCTGTAGCATACA. GRCh37 (hg19) VCF-style: chr4-65188433-G-GGTCTGTAGCATACA.
Other names: c.395_408dup, p.Leu137fs (NM_001363796.1); short protein forms L137fs.
Identifiers: ClinVar variation 3255077 (VCV003255077.2), dbSNP rs1171171393.